The following is an entry in ClinVar:

NM_024675.4(PALB2):c.2192T>G (p.Leu731Ter)

Gene: PALB2 (partner and localizer of BRCA2; minus strand). Cytogenetic location: 16p12.2.
Variant type: single nucleotide variant.
Coding change: c.2192T>G on transcript NM_024675.4 (MANE Select); coding-DNA position 2192, T replaced by G.
Protein change: p.Leu731Ter; replaces leucine 731 with a stop codon.
Molecular consequence: nonsense.
Genome position (GRCh38, 1-based): chr16:23,629,962, A>C on the plus strand (T>G on the coding strand, the complement: PALB2 is on the minus strand). VCF-style: chr16-23629962-A-C. GRCh37 (hg19) VCF-style: chr16-23641283-A-C.
Other names: short protein forms L731*.
Identifiers: ClinVar variation 617779 (VCV000617779.16), dbSNP rs1567217898, ClinGen allele CA395125606.

ClinVar aggregate classification (germline): Pathogenic/Likely pathogenic. Review status: criteria provided, multiple submitters, no conflicts (2 of 4 stars). 6 submissions from 6 submitters: Pathogenic (4); Likely pathogenic (1). 1 of the submissions does not count toward it. Last evaluated 2025-07-27.

Conditions:
Hereditary cancer-predisposing syndrome. Also called: Neoplastic Syndromes, Hereditary; Hereditary neoplastic syndrome; Tumor predisposition; Hereditary Cancer Syndrome. Identifiers: Orphanet 140162, MedGen C0027672, MeSH D009386, MONDO:0015356.
Familial cancer of breast. Also called: hereditary breast carcinoma; Hereditary breast cancer; BREAST CANCER, FAMILIAL. Identifiers: Orphanet 227535, MedGen C0346153, MONDO:0016419, OMIM 114480. Disease mechanism: loss of function.

Allele frequency attached by ClinVar (database versions not stated): gnomAD exomes below 0.00001.
gnomAD v4.1: 1 of 1,614,188 alleles (0.000062%); highest among the groups gnomAD compares: Non-Finnish European, 0.000085%; no homozygotes.

Submissions (6):

Labcorp Genetics (formerly Invitae), Labcorp
Classification: Pathogenic for Familial cancer of breast. Last evaluated: 2025-07-27. Review status: criteria provided, single submitter. Criteria: Invitae Variant Classification Sherloc (09022015). Collection method: clinical testing. Allele origin: germline.
Comment: This sequence change creates a premature translational stop signal (p.Leu731*) in the PALB2 gene. It is expected to result in an absent or disrupted protein product. Loss-of-function variants in PALB2 are known to be pathogenic (PMID: 17200668, 17200671, 17200672, 24136930, 25099575). This variant is not present in population databases (gnomAD no frequency). This premature translational stop signal has been observed in individual(s) with breast cancer and/or pancreatic cancer (PMID: 28709830, 32885271). ClinVar contains an entry for this variant (Variation ID: 617779). For these reasons, this variant has been classified as Pathogenic.

Ambry Genetics
Classification: Pathogenic for Hereditary cancer-predisposing syndrome. Last evaluated: 2025-07-24. Review status: criteria provided, single submitter. Criteria: Ambry Variant Classification Scheme 2023. Collection method: clinical testing. Allele origin: germline.
Comment: The p.L731* pathogenic mutation (also known as c.2192T>G), located in coding exon 5 of the PALB2 gene, results from a T to G substitution at nucleotide position 2192. This changes the amino acid from a leucine to a stop codon within coding exon 5. This variant is considered to be rare based on population cohorts in the Genome Aggregation Database (gnomAD). This alteration is expected to result in loss of function by premature protein truncation or nonsense-mediated mRNA decay. As such, this alteration is interpreted as a disease-causing mutation.

Myriad Genetics, Inc.
Classification: Pathogenic for Familial cancer of breast. Last evaluated: 2023-09-12. Review status: criteria provided, single submitter. Criteria: Myriad Autosomal Dominant, Autosomal Recessive and X-Linked Classification Criteria (2023). Collection method: clinical testing. Allele origin: unknown.
Comment: This variant is considered pathogenic. This variant creates a termination codon and is predicted to result in premature protein truncation.

Centre for Mendelian Genomics, University Medical Centre Ljubljana
Classification: Pathogenic for Familial cancer of breast. Last evaluated: 2022-12-09. Review status: criteria provided, single submitter. Criteria: ACMG Guidelines, 2015. Collection method: research. Allele origin: germline. Affected: no.
Comment: PVS1, PS4_SUP, PM2_SUP

Department of Molecular Diagnostics, Institute of Oncology Ljubljana
Classification: Likely pathogenic for Hereditary cancer-predisposing syndrome. Last evaluated: 2018-10-24. Review status: criteria provided, single submitter. Criteria: ACMG Guidelines, 2015. Collection method: clinical testing. Allele origin: germline. Affected: yes.

Department of Pathology and Laboratory Medicine, Sinai Health System
Classification: Pathogenic. Review status: no assertion criteria provided. Collection method: clinical testing. Allele origin: unknown. Affected: yes. Study: The Canadian Open Genetics Repository (COGR). Not counted in ClinVar's aggregate classification.
Comment: The PALB2 p.Leu731* variant was not identified in the literature nor was it identified in the dbSNP, or LOVD 3.0 databases. The variant was identified in ClinVar (as likely pathogenic by Department of Molecular Diagnostics, Institute of Oncology). The variant was not identified in the following control databases: the Exome Aggregation Consortium (August 8th 2016), or the Genome Aggregation Database (Feb 27, 2017). The p.Leu731* variant leads to a premature stop codon at position 731 which is predicted to lead to a truncated or absent protein and loss of function. Loss of function variants of the PALB2 gene are an established mechanism of disease in PALB2 related cancers and is the type of variant expected to cause the disorder. In summary, based on the above information this variant meets our laboratoryâ€šÃ„Ã´s criteria to be classified as pathogenic.

Literature cited by the submitters: PubMed 17200668 (cited by Labcorp Genetics (formerly Invitae), Labcorp); PubMed 17200671 (cited by Labcorp Genetics (formerly Invitae), Labcorp); PubMed 17200672 (cited by Labcorp Genetics (formerly Invitae), Labcorp); PubMed 24136930 (cited by Labcorp Genetics (formerly Invitae), Labcorp); PubMed 25099575 (cited by Labcorp Genetics (formerly Invitae), Labcorp); PubMed 28709830 (cited by Labcorp Genetics (formerly Invitae), Labcorp); PubMed 32885271 (cited by Labcorp Genetics (formerly Invitae), Labcorp).